The following is an entry in ClinVar:

NM_000428.3(LTBP2):c.4614G>C (p.Glu1538Asp)

Gene: LTBP2 (latent transforming growth factor beta binding protein 2; minus strand). Cytogenetic location: 14q24.3.
Variant type: single nucleotide variant.
Coding change: c.4614G>C on transcript NM_000428.3 (MANE Select); coding-DNA position 4614, G replaced by C.
Protein change: p.Glu1538Asp; replaces glutamic acid 1538 with aspartic acid.
Molecular consequence: missense variant.
Genome position (GRCh38, 1-based): chr14:74,503,575, C>G on the plus strand (G>C on the coding strand, the complement: LTBP2 is on the minus strand). VCF-style: chr14-74503575-C-G. GRCh37 (hg19) VCF-style: chr14-74970278-C-G.
Other names: c.4614G>C (NM_000428.2); short protein forms E1538D.
Identifiers: ClinVar variation 2421859 (VCV002421859.4), dbSNP rs139665365, ClinGen allele CA7268698.
Genomic context (GRCh38, chr14:74,503,575, plus strand): 5'-GGTGAGCGGGGGGCTGCAGAAGCAGTGGAAGGAGCCCTCCGTGTTGACGCACTCGCCATT[C>G]TCACAGGCCAGGTCCTGGCACTCATCGTGATCTGGGGAGGCAGGAAAGGGTGGGGCATTG-3'
Protein context (NP_000419.1, residues 1528-1548): DHDECQDLAC[Glu1538Asp]NGECVNTEGS

ClinVar aggregate classification (germline): Uncertain significance. Review status: criteria provided, multiple submitters, no conflicts (2 of 4 stars). 2 submissions from 2 submitters: Uncertain significance (2). Last evaluated 2025-04-03.

Conditions:
Inborn genetic diseases. Identifiers: MedGen C0950123, MeSH D030342.

Allele frequency attached by ClinVar (database versions not stated): TOPMed 0.00001; ExAC 0.00002; gnomAD 0.00002; ESP Exome Variant Server 0.00008.
gnomAD v4.1: 24 of 1,613,778 alleles (0.0015%); highest among the groups gnomAD compares: Non-Finnish European, 0.002%; no homozygotes.

Submissions (2):

Ambry Genetics
Classification: Uncertain significance for Inborn genetic diseases. Last evaluated: 2025-04-03. Review status: criteria provided, single submitter. Criteria: Ambry Variant Classification Scheme 2023. Collection method: clinical testing. Allele origin: germline.

Labcorp Genetics (formerly Invitae), Labcorp
Classification: Uncertain significance. Last evaluated: 2022-03-10. Review status: criteria provided, single submitter. Criteria: Invitae Variant Classification Sherloc (09022015). Collection method: clinical testing. Allele origin: germline.
Comment: This sequence change replaces glutamic acid, which is acidic and polar, with aspartic acid, which is acidic and polar, at codon 1538 of the LTBP2 protein (p.Glu1538Asp). This variant is present in population databases (rs139665365, gnomAD 0.002%). This variant has not been reported in the literature in individuals affected with LTBP2-related conditions. Algorithms developed to predict the effect of missense changes on protein structure and function (SIFT, PolyPhen-2, Align-GVGD) all suggest that this variant is likely to be disruptive. In summary, the available evidence is currently insufficient to determine the role of this variant in disease. Therefore, it has been classified as a Variant of Uncertain Significance.